The following is an entry in ClinVar:

ClinVar aggregate classification (germline): Uncertain significance (1 of 4 stars; one submission).

Conditions:
Catecholaminergic polymorphic ventricular tachycardia 1. Also called: RYR2-Related Catecholaminergic Polymorphic Ventricular Tachycardia; VENTRICULAR TACHYCARDIA, STRESS-INDUCED POLYMORPHIC 1; VENTRICULAR TACHYCARDIA, CATECHOLAMINERGIC POLYMORPHIC, 1, WITH OR WITHOUT ATRIAL DYSFUNCTION AND/OR DILATED CARDIOMYOPATHY. Identifiers: Orphanet 3286, MedGen C1631597, MONDO:0011484, OMIM 604772.

Submission:

Labcorp Genetics (formerly Invitae), Labcorp
Classification: Uncertain significance for Catecholaminergic polymorphic ventricular tachycardia 1. Last evaluated: 2021-05-30. Review status: criteria provided, single submitter. Criteria: Invitae Variant Classification Sherloc (09022015). Collection method: clinical testing. Allele origin: germline.
Comment: In summary, the available evidence is currently insufficient to determine the role of this variant in disease. Therefore, it has been classified as a Variant of Uncertain Significance. Nucleotide substitutions within the consensus splice site are a relatively common cause of aberrant splicing (PMID: 17576681, 9536098). Algorithms developed to predict the effect of sequence changes on RNA splicing suggest that this variant is not likely to affect RNA splicing, but this prediction has not been confirmed by published transcriptional studies. This variant has not been reported in the literature in individuals with RYR2-related conditions. This variant is not present in population databases (ExAC no frequency). This sequence change falls in intron 58 of the RYR2 gene. It does not directly change the encoded amino acid sequence of the RYR2 protein. It affects a nucleotide within the consensus splice site of the intron.

Literature cited by the submitters: PubMed 17576681; PubMed 9536098.

NM_001035.3(RYR2):c.8590+5T>C

Gene: RYR2 (ryanodine receptor 2; plus strand). Cytogenetic location: 1q43.
Variant type: single nucleotide variant.
Coding change: c.8590+5T>C on transcript NM_001035.3 (MANE Select); 5 bases into the intron after coding-DNA position 8590, T replaced by C.
Molecular consequence: intron variant.
Genome position (GRCh38, 1-based): chr1:237,667,963, T>C. VCF-style: chr1-237667963-T-C. GRCh37 (hg19) VCF-style: chr1-237831263-T-C.
Identifiers: ClinVar variation 1469402 (VCV001469402.7), dbSNP rs2148878658, ClinGen allele CA2573132852.
Genomic context (GRCh38, chr1:237,667,963, plus strand): 5'-TGAAAACTACCATAATATATGGGCAAAGAAAAAGAAAATGGAGTTGGAGTCCAAAGGTAA[T>C]ATTTTCTAAAAACGTTTATTAAAAAATAATCTGAGCTCAATTCCATGAGTGTATGGATGA-3'